The following is an entry in ClinVar:

ClinVar aggregate classification (germline): Pathogenic (1 of 4 stars; one submission).

Conditions:
Tyrosinase-positive oculocutaneous albinism (OCA2). Also called: ALBINISM II; Oculocutaneous albinism type 2; Albinism, oculocutaneous, type II. Identifiers: Orphanet 79432, MedGen C0268495, MONDO:0008746, OMIM 203200.

Submission:

Myriad Genetics, Inc.
Classification: Pathogenic for Tyrosinase-positive oculocutaneous albinism. Last evaluated: 2025-05-16. Review status: criteria provided, single submitter. Criteria: Myriad Autosomal Dominant, Autosomal Recessive and X-Linked Classification Criteria (2023). Collection method: clinical testing. Allele origin: unknown.
Comment: NM_000275.2(OCA2):c.2036G>A(W679*) is expected to be pathogenic in the context of oculocutaneous albinism, OCA2-related. This variant is predicted to lead to an abnormal or absent protein product due to the creation of a premature termination codon in OCA2, a gene where loss-of-function variants are known to be pathogenic. Please note: this variant was assessed in the context of healthy population screening.

NM_000275.3(OCA2):c.2036G>A (p.Trp679Ter)

Gene: OCA2 (OCA2 melanosomal transmembrane protein; minus strand). Cytogenetic location: 15q13.1.
Variant type: single nucleotide variant.
Coding change: c.2036G>A on transcript NM_000275.3 (MANE Select); coding-DNA position 2036, G replaced by A.
Protein change: p.Trp679Ter; replaces tryptophan 679 with a stop codon.
Molecular consequence: nonsense.
Genome position (GRCh38, 1-based): chr15:27,926,170, C>T on the plus strand (G>A on the coding strand, the complement: OCA2 is on the minus strand). VCF-style: chr15-27926170-C-T. GRCh37 (hg19) VCF-style: chr15-28171316-C-T.
Other names: c.1964G>A, p.Trp655Ter (NM_001300984.2); short protein forms W655*, W679*.
Identifiers: ClinVar variation 5014450 (VCV005014450.1).